The following is an entry in ClinVar:

ClinVar aggregate classification (germline): Uncertain significance (1 of 4 stars; one submission).

Allele frequency attached by ClinVar (database versions not stated): gnomAD exomes below 0.00001; TOPMed below 0.00001.
gnomAD v4.1: 1 of 1,605,048 alleles (0.000062%); highest among the groups gnomAD compares: Non-Finnish European, 0.000085%; no homozygotes.

Submission:

Labcorp Genetics (formerly Invitae), Labcorp
Classification: Uncertain significance. Last evaluated: 2023-02-16. Review status: criteria provided, single submitter. Criteria: Invitae Variant Classification Sherloc (09022015). Collection method: clinical testing. Allele origin: germline.
Comment: In summary, the available evidence is currently insufficient to determine the role of this variant in disease. Therefore, it has been classified as a Variant of Uncertain Significance. Advanced modeling of protein sequence and biophysical properties (such as structural, functional, and spatial information, amino acid conservation, physicochemical variation, residue mobility, and thermodynamic stability) performed at Invitae indicates that this missense variant is expected to disrupt TRRAP protein function. This sequence change replaces glycine, which is neutral and non-polar, with arginine, which is basic and polar, at codon 2871 of the TRRAP protein (p.Gly2871Arg). This variant is not present in population databases (gnomAD no frequency). This variant has not been reported in the literature in individuals affected with TRRAP-related conditions.

NM_001375524.1(TRRAP):c.8686G>A (p.Gly2896Arg)

Gene: TRRAP (transformation/transcription domain associated protein; plus strand). Cytogenetic location: 7q22.1.
Variant type: single nucleotide variant.
Coding change: c.8686G>A on transcript NM_001375524.1 (MANE Select); coding-DNA position 8686, G replaced by A.
Protein change: p.Gly2896Arg; replaces glycine 2896 with arginine.
Molecular consequence: missense variant.
Genome position (GRCh38, 1-based): chr7:98,981,820, G>A. VCF-style: chr7-98981820-G-A. GRCh37 (hg19) VCF-style: chr7-98579443-G-A.
Other names: c.8665G>A, p.Gly2889Arg (NM_001244580.2); c.8611G>A, p.Gly2871Arg (NM_003496.4); short protein forms G2889R, G2871R, G2896R.
Identifiers: ClinVar variation 2986185 (VCV002986185.3), dbSNP rs982532935, ClinGen allele CA163078257.